The following is an entry in ClinVar:

ClinVar aggregate classification (germline): Uncertain significance (1 of 4 stars; one submission).

Submission:

Women's Health and Genetics/Laboratory Corporation of America, LabCorp
Classification: Uncertain significance. Last evaluated: 2025-03-19. Review status: criteria provided, single submitter. Criteria: LabCorp Variant Classification Summary - May 2015. Collection method: clinical testing. Allele origin: germline.
Comment: Variant summary: TMEM63A c.773T>C (p.Val258Ala) results in a non-conservative amino acid change in the encoded protein sequence. Three of four in-silico tools predict a benign effect of the variant on protein function. The variant allele was found at a frequency of 3.1e-06 in 1606686 control chromosomes. The available data on variant occurrences in the general population are insufficient to allow any conclusion about variant significance. To our knowledge, no occurrence of c.773T>C in individuals affected with Leukodystrophy, Hypomyelinating, 19, Transient Infantile and no experimental evidence demonstrating its impact on protein function have been reported. No submitters have cited clinical-significance assessments for this variant to ClinVar. Based on the evidence outlined above, the variant was classified as uncertain significance.

NM_014698.3(TMEM63A):c.773T>C (p.Val258Ala)

Gene: TMEM63A (transmembrane protein 63A; minus strand). Cytogenetic location: 1q42.12.
Variant type: single nucleotide variant.
Coding change: c.773T>C on transcript NM_014698.3 (MANE Select); coding-DNA position 773, T replaced by C.
Protein change: p.Val258Ala; replaces valine 258 with alanine.
Molecular consequence: missense variant.
Genome position (GRCh38, 1-based): chr1:225,862,825, A>G on the plus strand (T>C on the coding strand, the complement: TMEM63A is on the minus strand). VCF-style: chr1-225862825-A-G. GRCh37 (hg19) VCF-style: chr1-226050525-A-G.
Other names: short protein forms V258A.
Identifiers: ClinVar variation 3896074 (VCV003896074.1).
Genomic context (GRCh38, chr1:225,862,825, plus strand): 5'-ACTCACTTCTCCTTGCACAGGTAGATCAGTTTGGCCACGTTGTAGCACAGCTGCACATCA[A>G]CCACCTCACACGTGGGATACGCGTCCCTGTGGCCAGGGAGAGAAGGAGGCAAAAGACACC-3'
Protein context (NP_055513.2, residues 248-268): FRDAYPTCEV[Val258Ala]DVQLCYNVAK